The following is an entry in ClinVar:

ClinVar aggregate classification (germline): Uncertain significance (1 of 4 stars; one submission).

Allele frequency attached by ClinVar (database versions not stated): gnomAD exomes 0.00001 and 0.00002; gnomAD 0.00002; ExAC 0.00003.
gnomAD v4.1: 17 of 1,614,070 alleles (0.0011%); highest among the groups gnomAD compares: South Asian, 0.0044%; no homozygotes.

Submission:

Labcorp Genetics (formerly Invitae), Labcorp
Classification: Uncertain significance. Last evaluated: 2021-08-27. Review status: criteria provided, single submitter. Criteria: Invitae Variant Classification Sherloc (09022015). Collection method: clinical testing. Allele origin: germline.
Comment: This sequence change replaces arginine with histidine at codon 1700 of the MCM3AP protein (p.Arg1700His). The arginine residue is weakly conserved and there is a small physicochemical difference between arginine and histidine. This variant is present in population databases (rs749235018, ExAC 0.01%). This variant has not been reported in the literature in individuals affected with MCM3AP-related conditions. Algorithms developed to predict the effect of missense changes on protein structure and function output the following: SIFT: "Tolerated"; PolyPhen-2: "Benign"; Align-GVGD: "Class C0". The histidine amino acid residue is found in multiple mammalian species, which suggests that this missense change does not adversely affect protein function. In summary, the available evidence is currently insufficient to determine the role of this variant in disease. Therefore, it has been classified as a Variant of Uncertain Significance.

NM_003906.5(MCM3AP):c.5099G>A (p.Arg1700His)

Genes: MCM3AP (minichromosome maintenance complex component 3 associated protein; minus strand), MCM3AP-AS1 (MCM3AP antisense RNA 1; plus strand). Cytogenetic location: 21q22.3.
Variant type: single nucleotide variant.
Coding change: c.5099G>A on transcript NM_003906.5 (MANE Select); coding-DNA position 5099, G replaced by A.
Protein change: p.Arg1700His; replaces arginine 1700 with histidine.
Molecular consequence: missense variant.
Genome position (GRCh38, 1-based): chr21:46,243,662, C>T on the plus strand (G>A on the coding strand, the complement: MCM3AP is on the minus strand). VCF-style: chr21-46243662-C-T. GRCh37 (hg19) VCF-style: chr21-47663576-C-T.
Other names: short protein forms R1700H.
Identifiers: ClinVar variation 1467606 (VCV001467606.3), dbSNP rs749235018, ClinGen allele CA10075944.